The following is an entry in ClinVar:

ClinVar aggregate classification (germline): Uncertain significance. Review status: criteria provided, multiple submitters, no conflicts (2 of 4 stars). 2 submissions from 2 submitters: Uncertain significance (2). Last evaluated 2023-10-02.

Conditions:
Inborn genetic diseases. Identifiers: MedGen C0950123, MeSH D030342.

Allele frequency attached by ClinVar (database versions not stated): gnomAD 0.00002; gnomAD exomes 0.00003; TOPMed 0.00003; ExAC 0.00002.
gnomAD v4.1: 41 of 1,613,542 alleles (0.0025%); highest among the groups gnomAD compares: Non-Finnish European, 0.0035%; no homozygotes.

Submissions (2):

Ambry Genetics
Classification: Uncertain significance for Inborn genetic diseases. Last evaluated: 2023-10-02. Review status: criteria provided, single submitter. Criteria: Ambry Variant Classification Scheme 2023. Collection method: clinical testing. Allele origin: germline.

GeneDx
Classification: Uncertain significance. Last evaluated: 2019-04-17. Review status: criteria provided, single submitter. Criteria: GeneDx Variant Classification Process June 2021. Collection method: clinical testing. Allele origin: germline. Affected: yes.
Comment: In silico analysis, which includes protein predictors and evolutionary conservation, supports that this variant does not alter protein structure/function; Has not been previously published as pathogenic or benign to our knowledge

NM_198129.4(LAMA3):c.5546G>A (p.Gly1849Asp)

Gene: LAMA3 (laminin subunit alpha 3; plus strand). Cytogenetic location: 18q11.2.
Variant type: single nucleotide variant.
Coding change: c.5546G>A on transcript NM_198129.4 (MANE Select); coding-DNA position 5546, G replaced by A.
Protein change: p.Gly1849Asp; replaces glycine 1849 with aspartic acid.
Molecular consequence: missense variant.
Genome position (GRCh38, 1-based): chr18:23,894,991, G>A. VCF-style: chr18-23894991-G-A. GRCh37 (hg19) VCF-style: chr18-21474955-G-A.
Other names: c.719G>A, p.Gly240Asp (NM_000227.6, NM_001127718.4); c.5546G>A, p.Gly1849Asp (NM_001127717.4); short protein forms G1849D, G240D.
Identifiers: ClinVar variation 1304871 (VCV001304871.3), dbSNP rs768449317, ClinGen allele CA8916093.
Genomic context (GRCh38, chr18:23,894,991, plus strand): 5'-TCCTGAACGACCTGGCCACCATGGGCGAGCAGCTCCGCCTGGTCAAGTCTCAGCTGCAGG[G>A]CCTGAGTGCCAGCGCAGGGCTTCTGGAGCAGATGAGGCACATGGAGACCCAGGCCAAGGA-3'
Protein context (NP_937762.2, residues 1839-1859): QLRLVKSQLQ[Gly1849Asp]LSASAGLLEQ